The following is an entry in ClinVar:

ClinVar aggregate classification (germline): Uncertain significance (1 of 4 stars; one submission).

Conditions:
Inborn genetic diseases. Identifiers: MedGen C0950123, MeSH D030342.

Allele frequency attached by ClinVar (database versions not stated): TOPMed below 0.00001; ExAC 0.00001; gnomAD 0.00001; gnomAD exomes 0.00001.

Submission:

Ambry Genetics
Classification: Uncertain significance for Inborn genetic diseases. Last evaluated: 2023-11-29. Review status: criteria provided, single submitter. Criteria: Ambry Variant Classification Scheme 2023. Collection method: clinical testing. Allele origin: germline.
Comment: The p.M1168V variant (also known as c.3502A>G), located in coding exon 26 of the LRRK2 gene, results from an A to G substitution at nucleotide position 3502. The methionine at codon 1168 is replaced by valine, an amino acid with highly similar properties. This amino acid position is conserved. In addition, this alteration is predicted to be tolerated by in silico analysis. Since supporting evidence is limited at this time, the clinical significance of this alteration remains unclear.

NM_198578.4(LRRK2):c.3502A>G (p.Met1168Val)

Gene: LRRK2 (leucine rich repeat kinase 2; plus strand). Cytogenetic location: 12q12.
Variant type: single nucleotide variant.
Coding change: c.3502A>G on transcript NM_198578.4 (MANE Select); coding-DNA position 3502, A replaced by G.
Protein change: p.Met1168Val; replaces methionine 1168 with valine.
Molecular consequence: missense variant.
Genome position (GRCh38, 1-based): chr12:40,302,794, A>G. VCF-style: chr12-40302794-A-G. GRCh37 (hg19) VCF-style: chr12-40696596-A-G.
Other names: short protein forms M1168V.
Identifiers: ClinVar variation 1732082 (VCV001732082.2), dbSNP rs749113126, ClinGen allele CA6513937.
Genomic context (GRCh38, chr12:40,302,794, plus strand): 5'-TAATGGAAATCTGGTTAAAATGATTAAAATGTTTATCTCATTTTTTTTCTTTTAGCTGCT[A>G]TGCCTTTCTTGCCTCCTTCTATGACAATCCTAAAATTATCTCAGAACAAATTTTCCTGTA-3'
Protein context (NP_940980.4, residues 1158-1178): FSARMNFLAA[Met1168Val]PFLPPSMTIL